The following is an entry in ClinVar:

ClinVar aggregate classification (germline): Uncertain significance (1 of 4 stars; one submission).

gnomAD v4.1: 2 of 1,552,030 alleles (0.00013%); highest among the groups gnomAD compares: South Asian, 0.0012%; no homozygotes.

Submission:

Labcorp Genetics (formerly Invitae), Labcorp
Classification: Uncertain significance. Last evaluated: 2022-09-07. Review status: criteria provided, single submitter. Criteria: Invitae Variant Classification Sherloc (09022015). Collection method: clinical testing. Allele origin: germline.
Comment: Algorithms developed to predict the effect of missense changes on protein structure and function are either unavailable or do not agree on the potential impact of this missense change (SIFT: "Not Available"; PolyPhen-2: "Probably Damaging"; Align-GVGD: "Not Available"). In summary, the available evidence is currently insufficient to determine the role of this variant in disease. Therefore, it has been classified as a Variant of Uncertain Significance. ClinVar contains an entry for this variant (Variation ID: 1349700). This sequence change replaces cysteine, which is neutral and slightly polar, with tyrosine, which is neutral and polar, at codon 1337 of the UNC80 protein (p.Cys1337Tyr). This variant is not present in population databases (gnomAD no frequency). This variant has not been reported in the literature in individuals affected with UNC80-related conditions.

NM_001371986.1(UNC80):c.4004G>A (p.Cys1335Tyr)

Gene: UNC80 (unc-80 subunit of NALCN channel complex; plus strand). Cytogenetic location: 2q34.
Variant type: single nucleotide variant.
Coding change: c.4004G>A on transcript NM_001371986.1 (MANE Select); coding-DNA position 4004, G replaced by A.
Protein change: p.Cys1335Tyr; replaces cysteine 1335 with tyrosine.
Molecular consequence: missense variant.
Genome position (GRCh38, 1-based): chr2:209,880,988, G>A. VCF-style: chr2-209880988-G-A. GRCh37 (hg19) VCF-style: chr2-210745712-G-A.
Other names: c.4010G>A, p.Cys1337Tyr (NM_032504.2); c.3995G>A, p.Cys1332Tyr (NM_182587.4); short protein forms C1335Y, C1337Y, C1332Y.
Identifiers: ClinVar variation 1349700 (VCV001349700.6), dbSNP rs2124895744, ClinGen allele CA350747637.